The following is an entry in ClinVar:

ClinVar aggregate classification (germline): Uncertain significance (1 of 4 stars; one submission).

Allele frequency attached by ClinVar (database versions not stated): gnomAD exomes below 0.00001.

Submission:

Ambry Genetics
Classification: Uncertain significance. Last evaluated: 2022-08-04. Review status: criteria provided, single submitter. Criteria: Ambry Variant Classification Scheme 2023. Collection method: clinical testing. Allele origin: germline.
Comment: The p.A906V variant (also known as c.2717C>T), located in coding exon 4 of the ALPK2 gene, results from a C to T substitution at nucleotide position 2717. The alanine at codon 906 is replaced by valine, an amino acid with similar properties. This amino acid position is conserved. In addition, this alteration is predicted to be tolerated by in silico analysis. Since supporting evidence is limited at this time, the clinical significance of this alteration remains unclear.

NM_052947.4(ALPK2):c.2717C>T (p.Ala906Val)

Gene: ALPK2 (alpha kinase 2; minus strand). Cytogenetic location: 18q21.31.
Variant type: single nucleotide variant.
Coding change: c.2717C>T on transcript NM_052947.4 (MANE Select); coding-DNA position 2717, C replaced by T.
Protein change: p.Ala906Val; replaces alanine 906 with valine.
Molecular consequence: missense variant.
Genome position (GRCh38, 1-based): chr18:58,537,470, G>A on the plus strand (C>T on the coding strand, the complement: ALPK2 is on the minus strand). VCF-style: chr18-58537470-G-A. GRCh37 (hg19) VCF-style: chr18-56204702-G-A.
Other names: short protein forms A906V.
Identifiers: ClinVar variation 1795119 (VCV001795119.2), dbSNP rs2518877341, ClinGen allele CA402569932.